The following is an entry in ClinVar:

NM_001080477.4(TENM3):c.1919A>G (p.Asn640Ser)

Gene: TENM3 (teneurin transmembrane protein 3; plus strand). Cytogenetic location: 4q35.1.
Variant type: single nucleotide variant.
Coding change: c.1919A>G on transcript NM_001080477.4 (MANE Select); coding-DNA position 1919, A replaced by G.
Protein change: p.Asn640Ser; replaces asparagine 640 with serine.
Molecular consequence: missense variant.
Genome position (GRCh38, 1-based): chr4:182,681,898, A>G. VCF-style: chr4-182681898-A-G. GRCh37 (hg19) VCF-style: chr4-183603051-A-G.
Other names: c.1103A>G, p.Asn368Ser (NM_001415960.1, NM_001415961.1, NM_001415962.1 and 2 more transcripts); c.1640A>G, p.Asn547Ser (NM_001415966.1, NM_001415967.1, NM_001415976.1 and 1 more transcripts); c.1919A>G, p.Asn640Ser (NM_001415968.1, NM_001415969.1, NM_001415970.1 and 4 more transcripts); short protein forms N368S, N547S, N640S.
Identifiers: ClinVar variation 3454881 (VCV003454881.2).
Genomic context (GRCh38, chr4:182,681,898, plus strand): 5'-CTAATCATGGTGTGTGTATCCACGGGGAATGTCACTGCAGTCCAGGATGGGGAGGTAGCA[A>G]TTGTGAAATACTGAAGACCATGTGTCCAGACCAGTGCTCCGGCCACGGAACGTATCTTCA-3'
Protein context (NP_001073946.1, residues 630-650): CHCSPGWGGS[Asn640Ser]CEILKTMCPD

ClinVar aggregate classification (germline): Uncertain significance. Review status: criteria provided, multiple submitters, no conflicts (2 of 4 stars). 2 submissions from 2 submitters: Uncertain significance (2). Last evaluated 2025-06-24.

Conditions:
Inborn genetic diseases. Identifiers: MedGen C0950123, MeSH D030342.

gnomAD v4.1: 131 of 1,613,834 alleles (0.0081%); highest among the groups gnomAD compares: South Asian, 0.063%; no homozygotes.

Submissions (2):

Labcorp Genetics (formerly Invitae), Labcorp
Classification: Uncertain significance. Last evaluated: 2025-06-24. Review status: criteria provided, single submitter. Criteria: Invitae Variant Classification Sherloc (09022015). Collection method: clinical testing. Allele origin: germline.
Comment: This sequence change replaces asparagine, which is neutral and polar, with serine, which is neutral and polar, at codon 640 of the TENM3 protein (p.Asn640Ser). This variant is present in population databases (rs200597452, gnomAD 0.06%). This variant has not been reported in the literature in individuals affected with TENM3-related conditions. ClinVar contains an entry for this variant (Variation ID: 3454881). Invitae Evidence Modeling of protein sequence and biophysical properties (such as structural, functional, and spatial information, amino acid conservation, physicochemical variation, residue mobility, and thermodynamic stability) indicates that this missense variant is not expected to disrupt TENM3 protein function with a negative predictive value of 80%. In summary, the available evidence is currently insufficient to determine the role of this variant in disease. Therefore, it has been classified as a Variant of Uncertain Significance.

Ambry Genetics
Classification: Uncertain significance for Inborn genetic diseases. Last evaluated: 2024-08-14. Review status: criteria provided, single submitter. Criteria: Ambry Variant Classification Scheme 2023. Collection method: clinical testing. Allele origin: germline.